The following is an entry in ClinVar:

ClinVar aggregate classification (germline): Pathogenic. Review status: criteria provided, multiple submitters, no conflicts (2 of 4 stars). 2 submissions from 2 submitters: Pathogenic (2). Last evaluated 2025-03-04.

Submissions (2):

Center for Genomic Medicine, Rigshospitalet, Copenhagen University Hospital
Classification: Pathogenic. Last evaluated: 2025-03-04. Review status: criteria provided, single submitter. Criteria: ACMG Guidelines, 2015. Collection method: clinical testing. Allele origin: germline.

Labcorp Genetics (formerly Invitae), Labcorp
Classification: Pathogenic. Last evaluated: 2024-04-11. Review status: criteria provided, single submitter. Criteria: Invitae Variant Classification Sherloc (09022015). Collection method: clinical testing. Allele origin: germline.
Comment: This sequence change creates a premature translational stop signal (p.Trp500*) in the FH gene. While this is not anticipated to result in nonsense mediated decay, it is expected to disrupt the last 11 amino acid(s) of the FH protein. This variant is not present in population databases (gnomAD no frequency). This premature translational stop signal has been observed in individual(s) with fumarate hydratase deficiency and/or hereditary leiomyomatosis and renal cell cancer (PMID: 9635293, 21398687). In at least one individual the data is consistent with being in trans (on the opposite chromosome) from a pathogenic variant. This variant is also known as G1373A (W458X). ClinVar contains an entry for this variant (Variation ID: 1076641). Algorithms developed to predict the effect of sequence changes on RNA splicing suggest that this variant may create or strengthen a splice site. For these reasons, this variant has been classified as Pathogenic.

Literature cited by the submitters: PubMed 9635293 (cited by Center for Genomic Medicine, Rigshospitalet, Copenhagen University Hospital and Labcorp Genetics (formerly Invitae), Labcorp); PubMed 21398687 (cited by Center for Genomic Medicine, Rigshospitalet, Copenhagen University Hospital and Labcorp Genetics (formerly Invitae), Labcorp).

NM_000143.4(FH):c.1499G>A (p.Trp500Ter)

Gene: FH (fumarate hydratase; minus strand). Cytogenetic location: 1q43.
Variant type: single nucleotide variant.
Coding change: c.1499G>A on transcript NM_000143.4 (MANE Select); coding-DNA position 1499, G replaced by A.
Protein change: p.Trp500Ter; replaces tryptophan 500 with a stop codon.
Molecular consequence: nonsense.
Genome position (GRCh38, 1-based): chr1:241,497,862, C>T on the plus strand (G>A on the coding strand, the complement: FH is on the minus strand). VCF-style: chr1-241497862-C-T. GRCh37 (hg19) VCF-style: chr1-241661162-C-T.
Other names: short protein forms W500*.
Identifiers: ClinVar variation 1076641 (VCV001076641.13), dbSNP rs2147911203, ClinGen allele CA345450243.
Genomic context (GRCh38, chr1:241,497,862, plus strand): 5'-TTATTTTCATTATAAATTTATGTAAATCACTTTGGACCCAGCATGTCCTTAGGTTTTACC[C>T]ATTCGTCAAACTGCTCTGCTGTGAGATAGCCAAGTTCGATAGCAGTTTCCTTTAAGGTTG-3'